The following is an entry in ClinVar:

ClinVar aggregate classification (germline): Likely benign. Review status: criteria provided, multiple submitters, no conflicts (2 of 4 stars). 4 submissions from 4 submitters: Likely benign (4). Last evaluated 2026-02-04.

Conditions:
Hypercholesterolemia, autosomal dominant, type B (FHCL2). Also called: Familial Hypercholesterolemia Type B; Hyperlipoproteinemia Type IIb; Familial hypercholesterolemia 2; APOB-Related Familial Hypercholesterolemia, Autosomal Dominant; APOLIPOPROTEIN B-100, FAMILIAL DEFECTIVE; APOLIPOPROTEIN B-100, FAMILIAL LIGAND-DEFECTIVE. Identifiers: MedGen C1704417, MONDO:0007751, OMIM 144010.
Familial hypobetalipoproteinemia 1. Also called: APOB-Related Familial Hypobetalipoproteinemia; Hypobetalipoproteinemia, normotriglyceridemic; Acanthocytosis with hypobetalipoproteinemia. Identifiers: MedGen C4551990, MONDO:0014252, OMIM 615558.
Cardiovascular phenotype. Identifiers: MedGen CN230736.
Familial hypercholesterolemia. Also called: Familial hypercholesterolaemia; Familial hypercholesterolemias. Identifiers: MedGen C0020445, MONDO:0005439.

Allele frequency attached by ClinVar (database versions not stated): gnomAD 0.00003; gnomAD exomes 0.00005 and 0.00012; TOPMed 0.00006; ExAC 0.00007.
gnomAD v4.1: 91 of 1,613,978 alleles (0.0056%); highest among the groups gnomAD compares: Non-Finnish European, 0.002%; no homozygotes.

Submissions (4):

Labcorp Genetics (formerly Invitae), Labcorp
Classification: Likely benign for Familial hypobetalipoproteinemia 1; Hypercholesterolemia, autosomal dominant, type B. Last evaluated: 2026-02-04. Review status: criteria provided, single submitter. Criteria: Invitae Variant Classification Sherloc (09022015). Collection method: clinical testing. Allele origin: germline.

CeGaT Center for Human Genetics Tuebingen
Classification: Likely benign. Last evaluated: 2025-03-01. Review status: criteria provided, single submitter. Criteria: CeGaT Center For Human Genetics Tuebingen Variant Classification Criteria Version 2. Collection method: clinical testing. Allele origin: germline. Affected: yes. Observed: 8 variant alleles.
Comment: APOB: BP4, BP7

GENinCode PLC
Classification: Likely benign for Familial hypercholesterolemia. Last evaluated: 2024-11-12. Review status: criteria provided, single submitter. Criteria: ACMG Guidelines, 2015. Collection method: clinical testing. Allele origin: germline.
Comment: This is a synonymous (silent) variant that is not predicted by SpliceAI to impact splicing. In addition, it occurs at a nucleotide that is not conserved. Therefore this variant has been classified as Likely Benign (BP4, BP7).

Ambry Genetics
Classification: Likely benign for Cardiovascular phenotype. Last evaluated: 2021-05-09. Review status: criteria provided, single submitter. Criteria: Ambry Variant Classification Scheme 2023. Collection method: clinical testing. Allele origin: germline.

NM_000384.3(APOB):c.3774G>C (p.Leu1258=)

Gene: APOB (apolipoprotein B; minus strand). Cytogenetic location: 2p24.1.
Variant type: single nucleotide variant.
Coding change: c.3774G>C on transcript NM_000384.3 (MANE Select); coding-DNA position 3774, G replaced by C.
Protein change: p.Leu1258=; no amino-acid change (leucine 1258 retained).
Molecular consequence: synonymous variant.
Genome position (GRCh38, 1-based): chr2:21,014,516, C>G on the plus strand (G>C on the coding strand, the complement: APOB is on the minus strand). VCF-style: chr2-21014516-C-G. GRCh37 (hg19) VCF-style: chr2-21237388-C-G.
Identifiers: ClinVar variation 630319 (VCV000630319.90), dbSNP rs752823240, ClinGen allele CA059619.